The following is an entry in ClinVar:

NM_003742.4(ABCB11):c.149T>C (p.Leu50Ser)

Gene: ABCB11 (ATP binding cassette subfamily B member 11; minus strand). Cytogenetic location: 2q31.1.
Variant type: single nucleotide variant.
Coding change: c.149T>C on transcript NM_003742.4 (MANE Select); coding-DNA position 149, T replaced by C.
Protein change: p.Leu50Ser; replaces leucine 50 with serine.
Molecular consequence: missense variant.
Genome position (GRCh38, 1-based): chr2:169,014,304, A>G on the plus strand (T>C on the coding strand, the complement: ABCB11 is on the minus strand). VCF-style: chr2-169014304-A-G. GRCh37 (hg19) VCF-style: chr2-169870814-A-G.
Other names: short protein forms L50S.
Identifiers: ClinVar variation 3240374 (VCV003240374.5), dbSNP rs771468316.
Genomic context (GRCh38, chr2:169,014,304, plus strand): 5'-ATGATCTAAACAATTTATAGCTGCACACCCACTGCCATAAATCAACACAGTTTTATTACC[A>G]ATTGAAAGAAGCCAACTCTAACGCCATCACCTTTCTTCTCATCTTGTAACCTGATGAGAA-3'
Protein context (NP_003733.2, residues 40-60): GDGVRVGFFQ[Leu50Ser]FRFSSSTDIW

ClinVar aggregate classification (germline): Conflicting classifications of pathogenicity. Review status: criteria provided, conflicting classifications (1 of 4 stars). 5 submissions from 5 submitters: Likely pathogenic (2); Uncertain significance (3). Last evaluated 2026-04-14.

Conditions:
Familial intrahepatic cholestasis. Identifiers: Orphanet 284385, MedGen CN296401, MONDO:0017290.
Benign recurrent intrahepatic cholestasis type 2 (BRIC2). Also called: Recurrent familial intrahepatic cholestasis 2. Identifiers: Orphanet 65682, Orphanet 99961, MedGen C2608083, MONDO:0011559, OMIM 605479.
Progressive familial intrahepatic cholestasis type 2. Identifiers: Orphanet 79304, MedGen C3489789, MONDO:0011156, OMIM 601847.

Allele frequency attached by ClinVar (database versions not stated): ExAC 0.00001.
gnomAD v4.1: 20 of 1,612,936 alleles (0.0012%); highest among the groups gnomAD compares: Non-Finnish European, 0.0016%; no homozygotes.

Submissions (5):

Genomenon, Inc
Classification: Likely pathogenic for Familial intrahepatic cholestasis. Last evaluated: 2026-04-14. Review status: criteria provided, single submitter. Criteria: Genomenon Sequence Variant Interpretation Standards - Updated. Collection method: curation. Allele origin: germline. Affected: yes.
Comment: ABCB11 p.Leu50Ser (c.149T>C) is a missense variant that changes the amino acid at residue 50 from Leucine to Serine. This variant has been observed in at least one proband with an ABCB11-related disorder (PMID:32087350;31538484;18395098). The variant was found to segregate with disease in at least one affected family (PMID:18395098). Functional studies have been reported (PMID:19101985). It is absent or not present at a significant frequency in gnomAD. In silico models predict that this variant is possibly or probably damaging. In conclusion, we classify ABCB11 p.Leu50Ser (c.149T>C) as a likely pathogenic variant.

Women's Health and Genetics/Laboratory Corporation of America, LabCorp
Classification: Uncertain significance. Last evaluated: 2025-09-05. Review status: criteria provided, single submitter. Criteria: LabCorp Variant Classification Summary - May 2015. Collection method: clinical testing. Allele origin: germline.
Comment: Variant summary: ABCB11 c.149T>C (p.Leu50Ser) results in a non-conservative amino acid change in the encoded protein sequence. Algorithms developed to predict the effect of missense changes on protein structure and function are either unavailable or do not agree on the potential impact of this missense change. The variant allele was found at a frequency of 4e-06 in 249068 control chromosomes. c.149T>C has been observed in individual(s) affected with Progressive familial intrahepatic cholestasis type 1. These data indicate that the variant may be associated with disease. To our knowledge, no experimental evidence demonstrating an impact on protein function has been reported. The following publications have been ascertained in the context of this evaluation (PMID: 18395098, 31538484, 32087350). ClinVar contains an entry for this variant (Variation ID: 3240374). Based on the evidence outlined above, the variant was classified as VUS-possibly pathogenic.

Broad Center for Mendelian Genomics, Broad Institute of MIT and Harvard
Classification: Uncertain significance for Progressive familial intrahepatic cholestasis type 2. Last evaluated: 2025-02-04. Review status: criteria provided, single submitter. Criteria: ACMG Guidelines, 2015. Collection method: curation. Allele origin: germline. Inheritance: Autosomal recessive inheritance.
Comment: The p.Leu50Ser variant in ABCB11 has been reported in three individuals with BSEP deficiency (PMID: 18395098;:10.33612:diss.133430251), and has been identified in 0.002% (19/1179096) of European (non-Finnish) chromosomes by the Genome Aggregation Database (gnomAD; dbSNP rs771468316). Although this variant has been seen in the general population in a heterozygous state, its frequency is low enough to be consistent with a recessive carrier frequency. Computational prediction tools and conservation analyses suggest that this variant may impact the protein, though this information is not predictive enough to determine pathogenicity. In summary, while there is some suspicion for a pathogenic role, the clinical significance of this variant is uncertain. ACMG/AMP Criteria applied: PP3, PM2_supporting (Richards 2015).

Baylor Genetics
Classification: Likely pathogenic for Benign recurrent intrahepatic cholestasis type 2. Last evaluated: 2024-03-24. Review status: criteria provided, single submitter. Criteria: ACMG Guidelines, 2015. Collection method: clinical testing. Allele origin: unknown.

Neuberg Centre For Genomic Medicine, NCGM
Classification: Uncertain significance for Progressive familial intrahepatic cholestasis type 2. Last evaluated: 2023-06-22. Review status: criteria provided, single submitter. Criteria: ACMG Guidelines, 2015. Collection method: clinical testing. Allele origin: germline. Inheritance: Autosomal recessive inheritance. Affected: yes.
Comment: The observed missense c.149T>C (p.Leu50Ser) variant in ABCB11 gene has been reported previously in individuals affected with ABCB11-related disorders (Strautnieks et al., 2008; Huynh et al., 2019). The p.Leu50Ser variant is present with allele frequency of 0.0004%in gnomAD Exomes. This variant has not been submitted to the ClinVar database. Multiple lines of computational evidence (Polyphen - Probably Damaging, SIFT - Damaging and MutationTaster - Disease causing) predict a damaging effect on protein structure and function for this variant. The reference amino acid of p.Leu50Ser in ABCB11 is predicted as conserved by GERP++ and PhyloP across 100 vertebrates. The amino acid Leu at position 50 is changed to a Ser changing protein sequence and it might alter its composition and physico-chemical properties. Additional functional studies will be required to prove the pathogenicity of this variant. For these reasons, this variant has been classified as a Variant of Uncertain Significance (VUS).

Literature cited by the submitters: PubMed 32087350 (cited by Genomenon, Inc and Women's Health and Genetics/Laboratory Corporation of America, LabCorp); PubMed 31538484 (cited by Genomenon, Inc and Women's Health and Genetics/Laboratory Corporation of America, LabCorp); PubMed 18395098 (cited by Genomenon, Inc and Women's Health and Genetics/Laboratory Corporation of America, LabCorp); PubMed 19101985 (cited by Genomenon, Inc).